The following is an entry in ClinVar:

NM_000487.6(ARSA):c.684+2T>C

Gene: ARSA (arylsulfatase A; minus strand). Cytogenetic location: 22q13.33.
Variant type: single nucleotide variant.
Coding change: c.684+2T>C on transcript NM_000487.6 (MANE Select); the canonical splice donor site of the intron after coding-DNA position 684, T replaced by C.
Molecular consequence: splice donor variant.
Genome position (GRCh38, 1-based): chr22:50,626,832, A>G on the plus strand (T>C on the coding strand, the complement: ARSA is on the minus strand). VCF-style: chr22-50626832-A-G. GRCh37 (hg19) VCF-style: chr22-51065260-A-G.
Other names: c.426+2T>C (NM_001362782.2, NM_001085428.3); c.684+2T>C (NM_001085427.3, NM_001085426.3, NM_001085425.3).
Identifiers: ClinVar variation 4818452 (VCV004818452.1).
Genomic context (GRCh38, chr22:50,626,832, plus strand): 5'-GACTGGAGTTAGCACTGGGTAGGGGTCACGGGCAGCCAGGGGGTTGGGCCAAGATCACTT[A>G]CGTGAGAGGCATAGTACAGGAAGAAGGGGCGATCCTGGCGCTGGGCGTCGGCCATGAGGT-3'

ClinVar aggregate classification (germline): Pathogenic (1 of 4 stars; one submission).

Conditions:
Metachromatic leukodystrophy (MLD). Also called: ARSA DEFICIENCY; CEREBROSIDE SULFATASE DEFICIENCY; Arylsulfatase A Deficiency; METACHROMATIC LEUKOENCEPHALOPATHY; SULFATIDE LIPIDOSIS; Cerebral sclerosis diffuse metachromatic form. Identifiers: Orphanet 512, MedGen C0023522, MONDO:0018868, OMIM 250100.

Submission:

Natera, Inc.
Classification: Pathogenic for Metachromatic leukodystrophy. Last evaluated: 2024-06-13. Review status: criteria provided, single submitter. Criteria: Natera Variant Classification Schema (03/2026). Collection method: clinical testing. Allele origin: germline.
Comment: The c.684+2T>C variant in ARSA is a canonical splice donor site variant predicted to affect pre-mRNA splicing, which may result in an abnormal transcript and altered protein product. This variant is expected to result in nonsense mediated decay, truncation, or a dysfunctional protein product. This variant is rare in the general population with a frequency below the threshold expected for the associated phenotype(s). This variant has been observed in one or more individuals affected with the associated recessive disease, as either homozygous or compound heterozygous with a second variant (PMID: 31149247, 7581401). Given the available evidence, this variant is classified as Pathogenic.

Literature cited by the submitters: PubMed 31149247; PubMed 7581401.